The following is an entry in ClinVar:

ClinVar aggregate classification (germline): Benign (0 of 4 stars; one submission).

Conditions:
RECQL5-related disorder. Also called: RECQL5-related condition.

Submission:

PreventionGenetics, part of Exact Sciences
Classification: Benign for RECQL5-related condition. Last evaluated: 2019-10-29. Review status: no assertion criteria provided. Collection method: clinical testing. Allele origin: germline.
Comment: This variant is classified as benign based on ACMG/AMP sequence variant interpretation guidelines (Richards et al. 2015 PMID: 25741868, with internal and published modifications).

NM_004259.7(RECQL5):c.1586-6_1586-5dup

Gene: RECQL5 (RecQ like helicase 5; minus strand). Cytogenetic location: 17q25.1.
Variant type: Duplication.
Coding change: c.1586-6_1586-5dup on transcript NM_004259.7 (MANE Select); 6 bases into the intron before coding-DNA position 1586 through 5 bases into the intron before coding-DNA position 1586, 2 bases duplicated (CC; older notation c.1586-6_1586-5dupCC).
Molecular consequence: intron variant.
Genome position (GRCh38, 1-based): chr17:75,630,842-75,630,843, GG duplicated on the plus strand (CC on the coding strand, the reverse complement: RECQL5 is on the minus strand); duplicating any 2 consecutive bases within chr17:75,630,842-75,630,853 gives the same sequence; the c. name uses the placement nearest the transcript's 3' end. VCF-style (leftmost placement, unchanged base first): chr17-75630841-T-TGG. GRCh37 (hg19) VCF-style: chr17-73626921-T-TGG.
Identifiers: ClinVar variation 3056014 (VCV003056014.2), dbSNP rs55982817, ClinGen allele CA294082860.
Genomic context (GRCh38, chr17:75,630,841, plus strand): 5'-TCACAGTCAGCCTGGGGATCCTCCTGCTAGAAGCCTCTTTCAGGGGACAGTTCTCATCTG[T>TGG]GGGGGGGGGGGGTGGTCCTTGGTCCTTTCGCTCCACCTTCTGCGCTCTGAGGTCCCCCAC-3'